The following is an entry in ClinVar:

NM_005876.5(SPEG):c.4176G>A (p.Met1392Ile)

Gene: SPEG (striated muscle enriched protein kinase; plus strand). Cytogenetic location: 2q35.
Variant type: single nucleotide variant.
Coding change: c.4176G>A on transcript NM_005876.5 (MANE Select); coding-DNA position 4176, G replaced by A.
Protein change: p.Met1392Ile; replaces methionine 1392 with isoleucine.
Molecular consequence: missense variant.
Genome position (GRCh38, 1-based): chr2:219,473,532, G>A. VCF-style: chr2-219473532-G-A. GRCh37 (hg19) VCF-style: chr2-220338254-G-A.
Other names: short protein forms M1392I.
Identifiers: ClinVar variation 1358240 (VCV001358240.8), dbSNP rs751828180, ClinGen allele CA350676212.
Genomic context (GRCh38, chr2:219,473,532, plus strand): 5'-CCAGCACAGAGCCTGCGCTCTCCTCCTCCCAGGCCCAACCCTGGAGGAGGCCCCTGCCAT[G>A]CTGGACAAACCAGACATCGTGTATGTGGTGGAGGGACAGCCTGCCAGCGTCACCGTCACA-3'
Protein context (NP_005867.3, residues 1382-1402): HGPTLEEAPA[Met1392Ile]LDKPDIVYVV

ClinVar aggregate classification (germline): Uncertain significance (1 of 4 stars; one submission).

Submission:

Labcorp Genetics (formerly Invitae), Labcorp
Classification: Uncertain significance. Last evaluated: 2022-07-19. Review status: criteria provided, single submitter. Criteria: Invitae Variant Classification Sherloc (09022015). Collection method: clinical testing. Allele origin: germline.
Comment: This variant has not been reported in the literature in individuals affected with SPEG-related conditions. This variant is not present in population databases (gnomAD no frequency). This sequence change replaces methionine, which is neutral and non-polar, with isoleucine, which is neutral and non-polar, at codon 1392 of the SPEG protein (p.Met1392Ile). ClinVar contains an entry for this variant (Variation ID: 1358240). In summary, the available evidence is currently insufficient to determine the role of this variant in disease. Therefore, it has been classified as a Variant of Uncertain Significance. Algorithms developed to predict the effect of missense changes on protein structure and function output the following: SIFT: "Tolerated"; PolyPhen-2: "Benign"; Align-GVGD: "Class C0". The isoleucine amino acid residue is found in multiple mammalian species, which suggests that this missense change does not adversely affect protein function.